The following is an entry in ClinVar:

ClinVar aggregate classification (germline): Uncertain significance (1 of 4 stars; one submission).

Conditions:
Pancreatic adenocarcinoma. Identifiers: MedGen C0281361, MONDO:0006047, HP:0006725.

gnomAD v4.1: 3 of 1,610,612 alleles (0.00019%); highest among the groups gnomAD compares: African/African-American, 0.004%; no homozygotes.

Submission:

Labcorp Genetics (formerly Invitae), Labcorp
Classification: Uncertain significance for Pancreatic adenocarcinoma. Last evaluated: 2024-08-31. Review status: criteria provided, single submitter. Criteria: Invitae Variant Classification Sherloc (09022015). Collection method: clinical testing. Allele origin: germline.
Comment: This sequence change replaces cysteine, which is neutral and slightly polar, with arginine, which is basic and polar, at codon 375 of the PALLD protein (p.Cys375Arg). This variant is present in population databases (rs368472947, gnomAD 0.007%). This variant has not been reported in the literature in individuals affected with PALLD-related conditions. An algorithm developed to predict the effect of missense changes on protein structure and function (PolyPhen-2) suggests that this variant is likely to be disruptive. In summary, the available evidence is currently insufficient to determine the role of this variant in disease. Therefore, it has been classified as a Variant of Uncertain Significance.

NM_001166108.2(PALLD):c.2635T>C (p.Cys879Arg)

Genes: CBR4 (carbonyl reductase 4; minus strand), PALLD (palladin, cytoskeletal associated protein; plus strand). Cytogenetic location: 4q32.3.
Variant type: single nucleotide variant.
Coding change: c.2635T>C on transcript NM_001166108.2 (MANE Select); coding-DNA position 2635, T replaced by C.
Protein change: p.Cys879Arg; replaces cysteine 879 with arginine.
Molecular consequence: missense variant.
Genome position (GRCh38, 1-based): chr4:168,913,939, T>C. VCF-style: chr4-168913939-T-C. GRCh37 (hg19) VCF-style: chr4-169835090-T-C.
Other names: c.463T>C, p.Cys155Arg (NM_001367567.1, NM_001367569.1); c.514T>C, p.Cys172Arg (NM_001367568.1, NM_001367570.1); c.2584T>C, p.Cys862Arg (NM_016081.4); c.1438T>C, p.Cys480Arg (NM_001166109.2); c.1123T>C, p.Cys375Arg (NM_001166110.2); short protein forms C375R, C480R, C155R, C862R, C172R, C879R.
Identifiers: ClinVar variation 3662808 (VCV003662808.2).